The following is an entry in ClinVar:

ClinVar aggregate classification (germline): Uncertain significance. Review status: criteria provided, multiple submitters, no conflicts (2 of 4 stars). 2 submissions from 2 submitters: Uncertain significance (2). Last evaluated 2025-02-02.

Conditions:
Inborn genetic diseases. Identifiers: MedGen C0950123, MeSH D030342.
Baller-Gerold syndrome (BGS). Also called: CRANIOSYNOSTOSIS WITH RADIAL DEFECTS. Identifiers: Orphanet 1225, MedGen C0265308, MONDO:0009039, OMIM 218600.

Submissions (2):

Ambry Genetics
Classification: Uncertain significance for Inborn genetic diseases. Last evaluated: 2025-02-02. Review status: criteria provided, single submitter. Criteria: Ambry Variant Classification Scheme 2023. Collection method: clinical testing. Allele origin: germline.
Comment: The p.G79R variant (also known as c.235G>A), located in coding exon 4 of the RECQL4 gene, results from a G to A substitution at nucleotide position 235. The glycine at codon 79 is replaced by arginine, an amino acid with dissimilar properties. This amino acid position is conserved. In addition, the in silico prediction for this alteration is inconclusive. Based on the available evidence, the clinical significance of this variant remains unclear.

Labcorp Genetics (formerly Invitae), Labcorp
Classification: Uncertain significance for Baller-Gerold syndrome. Last evaluated: 2023-11-16. Review status: criteria provided, single submitter. Criteria: Invitae Variant Classification Sherloc (09022015). Collection method: clinical testing. Allele origin: germline.
Comment: This sequence change replaces glycine, which is neutral and non-polar, with arginine, which is basic and polar, at codon 79 of the RECQL4 protein (p.Gly79Arg). This variant is not present in population databases (gnomAD no frequency). This variant has not been reported in the literature in individuals affected with RECQL4-related conditions. Advanced modeling of protein sequence and biophysical properties (such as structural, functional, and spatial information, amino acid conservation, physicochemical variation, residue mobility, and thermodynamic stability) performed at Invitae indicates that this missense variant is expected to disrupt RECQL4 protein function with a positive predictive value of 80%. In summary, the available evidence is currently insufficient to determine the role of this variant in disease. Therefore, it has been classified as a Variant of Uncertain Significance.

NM_004260.4(RECQL4):c.235G>A (p.Gly79Arg)

Gene: RECQL4 (RecQ like helicase 4; minus strand). Cytogenetic location: 8q24.3.
Variant type: single nucleotide variant.
Coding change: c.235G>A on transcript NM_004260.4 (MANE Select); coding-DNA position 235, G replaced by A.
Protein change: p.Gly79Arg; replaces glycine 79 with arginine.
Molecular consequence: missense variant. On other transcripts: 5 prime UTR variant (17), non-coding transcript variant (3).
Genome position (GRCh38, 1-based): chr8:144,517,169, C>T on the plus strand (G>A on the coding strand, the complement: RECQL4 is on the minus strand). VCF-style: chr8-144517169-C-T. GRCh37 (hg19) VCF-style: chr8-145742553-C-T.
Other names: c.235G>A (NM_004260.3); c.235G>A, p.Gly79Arg (NM_001413017.1, NM_001413018.1, NM_001413019.1 and 5 more transcripts); c.-486G>A (NM_001413021.1); c.-837G>A (NM_001413022.1, NM_001413023.1, NM_001413037.1 and 3 more transcripts); c.-734G>A (NM_001413024.1, NM_001413035.1); c.106G>A, p.Gly36Arg (NM_001413025.1); c.-899G>A (NM_001413027.1, NM_001413030.1, NM_001413031.1 and 1 more transcripts); c.-562G>A (NM_001413028.1); and 3 more; short protein forms G79R, G36R.
Identifiers: ClinVar variation 2716791 (VCV002716791.4), dbSNP rs2538113371, ClinGen allele CA372692317.
Genomic context (GRCh38, chr8:144,517,169, plus strand): 5'-GGCGGCTCCGCCCTGGCGTAGACTGTGGACTCTTGGTCGCAGCCCGATTCAGATGGGGCC[C>T]CCAGCAGCGGGGCTCTGGCGCCTGCAGGAGACAACAGGGGCACAGGCCAGAAAAGGCTGT-3'
Protein context (NP_004251.4, residues 69-89): AEEAPEPRCW[Gly79Arg]PHLNRAATKS